The following is an entry in ClinVar:

NM_006767.4(LZTR1):c.1261-3C>T

Gene: LZTR1 (leucine zipper like post translational regulator 1; plus strand). Cytogenetic location: 22q11.21.
Variant type: single nucleotide variant.
Coding change: c.1261-3C>T on transcript NM_006767.4 (MANE Select); 3 bases into the intron before coding-DNA position 1261, C replaced by T.
Molecular consequence: intron variant.
Genome position (GRCh38, 1-based): chr22:20,993,659, C>T. VCF-style: chr22-20993659-C-T. GRCh37 (hg19) VCF-style: chr22-21347948-C-T.
Identifiers: ClinVar variation 1018578 (VCV001018578.12), dbSNP rs770882185, ClinGen allele CA10118794.

ClinVar aggregate classification (germline): Uncertain significance. Review status: criteria provided, multiple submitters, no conflicts (2 of 4 stars). 2 submissions from 2 submitters: Uncertain significance (2). Last evaluated 2021-07-06.

Conditions:
Hereditary cancer-predisposing syndrome. Also called: Neoplastic Syndromes, Hereditary; Tumor predisposition; Hereditary neoplastic syndrome; Hereditary Cancer Syndrome. Identifiers: Orphanet 140162, MedGen C0027672, MeSH D009386, MONDO:0015356.
Cardiovascular phenotype. Identifiers: MedGen CN230736.
Noonan syndrome (NS). Also called: Noonan's syndrome. Identifiers: Orphanet 648, MedGen C0028326, MeSH D009634, MONDO:0018997. Disease mechanism: gain of function.

Allele frequency attached by ClinVar (database versions not stated): gnomAD below 0.00001 and 0.00001.
gnomAD v4.1: 8 of 1,612,394 alleles (0.0005%); highest among the groups gnomAD compares: South Asian, 0.0088%; 1 homozygote.

Submissions (2):

Ambry Genetics
Classification: Uncertain significance for Cardiovascular phenotype; Hereditary cancer-predisposing syndrome. Last evaluated: 2021-07-06. Review status: criteria provided, single submitter. Criteria: Ambry Variant Classification Scheme 2023. Collection method: clinical testing. Allele origin: germline.
Comment: The c.1261-3C>T intronic variant results from a C to T substitution 3 nucleotides upstream from coding exon 12 in the LZTR1 gene. This nucleotide position is not well conserved in available vertebrate species. In silico splice site analysis predicts that this alteration will not have any significant effect on splicing. Since supporting evidence is limited at this time, the clinical significance of this alteration remains unclear.

Labcorp Genetics (formerly Invitae), Labcorp
Classification: Uncertain significance. Last evaluated: 2020-07-23. Review status: criteria provided, single submitter. Criteria: Invitae Variant Classification Sherloc (09022015). Collection method: clinical testing. Allele origin: germline.
Comment: This sequence change falls in intron 11 of the LZTR1 gene. It does not directly change the encoded amino acid sequence of the LZTR1 protein, but it affects a nucleotide within the consensus splice site of the intron. In summary, the available evidence is currently insufficient to determine the role of this variant in disease. Therefore, it has been classified as a Variant of Uncertain Significance. Nucleotide substitutions within the consensus splice site are a relatively common cause of aberrant splicing (PMID: 17576681, 9536098). Algorithms developed to predict the effect of sequence changes on RNA splicing suggest that this variant may disrupt the consensus splice site, but this prediction has not been confirmed by published transcriptional studies. This variant has not been reported in the literature in individuals with LZTR1-related conditions. This variant is present in population databases (rs770882185, ExAC 0.007%).

Literature cited by the submitters: PubMed 17576681 (cited by Labcorp Genetics (formerly Invitae), Labcorp); PubMed 9536098 (cited by Labcorp Genetics (formerly Invitae), Labcorp).